The following is an entry in ClinVar:

NM_021116.4(ADCY1):c.1605+2165C>T

Gene: ADCY1 (adenylate cyclase 1; plus strand). Cytogenetic location: 7p12.3.
Variant type: single nucleotide variant.
Coding change: c.1605+2165C>T on transcript NM_021116.4 (MANE Select); 2165 bases into the intron after coding-DNA position 1605, C replaced by T.
Molecular consequence: intron variant. On other transcripts: 3 prime UTR variant (1).
Genome position (GRCh38, 1-based): chr7:45,664,379, C>T. VCF-style: chr7-45664379-C-T. GRCh37 (hg19) VCF-style: chr7-45703978-C-T.
Other names: c.*4C>T (NM_001281768.2).
Identifiers: ClinVar variation 3050090 (VCV003050090.2), dbSNP rs1021014403, ClinGen allele CA158002537.
Genomic context (GRCh38, chr7:45,664,379, plus strand): 5'-GATGTCCTCCTGGGGTTTTGGTCTCCCACCCTGCAACGGGGACGACTGTGCACGTAGCTT[C>T]AGGTCCTGCCCAACAGCCACTGTCACCAGTGCTGCAAGGATGAGCTCCTGCCATCAGCCC-3'

ClinVar aggregate classification (germline): Likely benign (0 of 4 stars; one submission).

Conditions:
ADCY1-related disorder. Also called: ADCY1-related condition.

Allele frequency attached by ClinVar (database versions not stated): gnomAD exomes 0.00002; TOPMed 0.00002.
gnomAD v4.1: 12 of 1,536,064 alleles (0.00078%); highest among the groups gnomAD compares: Admixed American, 0.022%; no homozygotes.

Submission:

PreventionGenetics, part of Exact Sciences
Classification: Likely benign for ADCY1-related condition. Last evaluated: 2019-07-19. Review status: no assertion criteria provided. Collection method: clinical testing. Allele origin: germline.
Comment: This variant is classified as likely benign based on ACMG/AMP sequence variant interpretation guidelines (Richards et al. 2015 PMID: 25741868, with internal and published modifications).